The following is an entry in ClinVar:

NM_001282506.2(MUC20):c.1137G>A (p.Pro379=)

Gene: MUC20 (mucin 20, cell surface associated). Cytogenetic location: 3q29.
Variant type: single nucleotide variant.
Coding change: c.1137G>A on transcript NM_001282506.2 (MANE Select); coding-DNA position 1137, G replaced by A.
Protein change: p.Pro379=; no amino-acid change (proline 379 retained).
Molecular consequence: synonymous variant.
Genome position (GRCh38, 1-based): chr3:195,725,740, G>A. VCF-style: chr3-195725740-G-A. GRCh37 (hg19) VCF-style: chr3-195452611-G-A.
Other names: c.621G>A, p.Pro207= (NM_001291833.1); c.681G>A, p.Pro227= (NM_020790.1).
Identifiers: ClinVar variation 2654369 (VCV002654369.24), dbSNP rs1307363847, ClinGen allele CA438033712.

ClinVar aggregate classification (germline): Likely benign (1 of 4 stars; one submission).

Submission:

CeGaT Center for Human Genetics Tuebingen
Classification: Likely benign. Last evaluated: 2023-03-01. Review status: criteria provided, single submitter. Criteria: CeGaT Center For Human Genetics Tuebingen Variant Classification Criteria Version 2. Collection method: clinical testing. Allele origin: germline. Affected: yes. Observed: 1 variant allele.
Comment: MUC20: BP4, BP7